The following is an entry in ClinVar:

NM_000478.6(ALPL):c.454C>T (p.Arg152Cys)

Gene: ALPL (alkaline phosphatase, biomineralization associated; plus strand). Cytogenetic location: 1p36.12.
Variant type: single nucleotide variant.
Coding change: c.454C>T on transcript NM_000478.6 (MANE Select); coding-DNA position 454, C replaced by T.
Protein change: p.Arg152Cys; replaces arginine 152 with cysteine.
Molecular consequence: missense variant.
Genome position (GRCh38, 1-based): chr1:21,563,266, C>T. VCF-style: chr1-21563266-C-T. GRCh37 (hg19) VCF-style: chr1-21889759-C-T.
Other names: c.289C>T, p.Arg97Cys (NM_001127501.4); c.223C>T, p.Arg75Cys (NM_001177520.3); c.454C>T, p.Arg152Cys (NM_001369803.2, NM_001369804.2, NM_001369805.2); short protein forms R75C, R97C, R152C.
Identifiers: ClinVar variation 1470828 (VCV001470828.20), dbSNP rs200621180, ClinGen allele CA19059381.

ClinVar aggregate classification (germline): Conflicting classifications of pathogenicity. Review status: criteria provided, conflicting classifications (1 of 4 stars). 10 submissions from 10 submitters: Likely pathogenic (6); Uncertain significance (4). Last evaluated 2026-04-27.

Conditions:
Hypophosphatasia. Also called: Phosphoethanol-aminuria. Identifiers: Orphanet 436, MedGen C0020630, MeSH D007014, MONDO:0018570.
Childhood hypophosphatasia. Identifiers: Orphanet 247667, Orphanet 436, MedGen C0220743, MONDO:1010168, OMIM 241510, MONDO:0009428.
Infantile hypophosphatasia. Identifiers: Orphanet 247651, Orphanet 436, MedGen C0268412, MONDO:1010169, OMIM 241500, MONDO:0009427.
Adult hypophosphatasia. Identifiers: Orphanet 247676, Orphanet 436, MedGen C0268413, MONDO:1010154, OMIM 146300, MONDO:0007798.
Osteogenesis imperfecta (OI). Identifiers: Orphanet 666, MedGen C0029434, MeSH D010013, MONDO:0019019.

Allele frequency attached by ClinVar (database versions not stated): gnomAD 0.00001; gnomAD exomes 0.00001.
gnomAD v4.1: 20 of 1,612,242 alleles (0.0012%); highest among the groups gnomAD compares: East Asian, 0.0067%; no homozygotes.

Submissions (10):

GeneDx
Classification: Uncertain significance. Last evaluated: 2026-04-27. Review status: criteria provided, single submitter. Criteria: GeneDx Variant Classification Process June 2021. Collection method: clinical testing. Allele origin: germline.
Comment: Published functional studies suggest a damaging effect (mild reduction of activity, no additional functional studies (PMID: 32160374); In silico analysis supports that this missense variant has a deleterious effect on protein structure/function; This variant is associated with the following publications: (PMID: 22014174, 32160374, 35320273, 32066479, 31793067, 32752906, 38702915, 38884565, 23791648, 28127875, 39983296)

Labcorp Genetics (formerly Invitae), Labcorp
Classification: Likely pathogenic. Last evaluated: 2026-01-18. Review status: criteria provided, single submitter. Criteria: Invitae Variant Classification Sherloc (09022015). Collection method: clinical testing. Allele origin: germline.
Comment: This sequence change replaces arginine, which is basic and polar, with cysteine, which is neutral and slightly polar, at codon 152 of the ALPL protein (p.Arg152Cys). This variant is present in population databases (rs200621180, gnomAD 0.002%). This missense change has been observed in individual(s) with clinical features of hypophosphatasia and/or hypophosphatasia (PMID: 22014174, 23791648, 32066479, 32160374, 39983296). ClinVar contains an entry for this variant (Variation ID: 1470828). Invitae Evidence Modeling of protein sequence and biophysical properties (such as structural, functional, and spatial information, amino acid conservation, physicochemical variation, residue mobility, and thermodynamic stability) has been performed for this missense variant. However, the output from this modeling did not meet the statistical confidence thresholds required to predict the impact of this variant on ALPL protein function. Experimental studies have shown that this missense change affects ALPL function (PMID: 32160374). In summary, the currently available evidence indicates that the variant is pathogenic, but additional data are needed to prove that conclusively. Therefore, this variant has been classified as Likely Pathogenic.

Myriad Genetics, Inc.
Classification: Uncertain significance for Hypophosphatasia. Last evaluated: 2025-12-18. Review status: criteria provided, single submitter. Criteria: Myriad Autosomal Dominant, Autosomal Recessive and X-Linked Classification Criteria (2023). Collection method: clinical testing. Allele origin: unknown.
Comment: NM_000478.4(ALPL):c.454C>T(R152C) is a missense variant classified as a variant of uncertain significance in the context of hypophosphatasia, autosomal recessive. R152C has been observed in cases with relevant disease (PMID: 32752906, 32160374, 23791648, 28127875). Relevant functional assessments of this variant are available in the literature (PMID: 32160374). R152C has been observed in referenced population frequency databases. In summary, there is insufficient evidence to classify NM_000478.4(ALPL):c.454C>T(R152C) as pathogenic or benign. Please note: this variant was assessed in the context of healthy population screening.

Dasa
Classification: Uncertain significance. Last evaluated: 2025-11-10. Review status: criteria provided, single submitter. Criteria: DASA Assertion Criteria. Collection method: clinical testing. Allele origin: germline.
Comment: NM_000478.6(ALPL):c.454C>T (p.Arg152Cys) is a missense variant that results in the substitution of arginine with cysteine. This variant has been recurrently observed in individuals with ALPL-related disorders (PMID: 32066479; PMID: 22014174; PMID: 31793067). Functional evidence supports an impact on the gene or gene product (PMID: 32066479; PMID: 22014174; PMID: 31793067). Also, this variant is rare in population databases. The currently available literature and clinical evidence are not sufficient to establish a definitive association between this variant and the reported condition. Therefore, this variant is classified as a variant of uncertain significance.

Natera, Inc.
Classification: Likely pathogenic for Hypophosphatasia. Last evaluated: 2025-10-24. Review status: criteria provided, single submitter. Criteria: Natera Variant Classification Schema (03/2026). Collection method: clinical testing. Allele origin: germline.
Comment: The c.454C>T variant in ALPL is a missense variant predicted to cause substitution of arginine to cysteine at amino acid 152. This variant is rare in the general population with a frequency below the threshold expected for the associated phenotype(s). This variant has been observed in one or more individuals affected with the associated recessive disease, as either homozygous or compound heterozygous with a second variant (PMID: 32752906, 32160374). This variant has been observed in affected individual(s) with monoallelic occurrence (heterozygous/hemizygous) (PMID: 26783040, 32066479). Given the available evidence, this variant is classified as Likely Pathogenic.

Genomenon, Inc
Classification: Likely pathogenic for Hypophosphatasia. Last evaluated: 2025-08-29. Review status: criteria provided, single submitter. Criteria: Genomenon Sequence Variant Interpretation Standards. Collection method: curation. Allele origin: germline. Affected: yes.
Comment: ALPL c.454C>T is a missense variant that changes the amino acid at residue 152 from Arginine to Cysteine. This variant has been observed in at least one proband affected with hypophosphatasia (PMID:32066479;26783040;23791648). It has been observed in trans with a pathogenic variant (PMID:23791648). Functional studies have been reported;however, the significance of the findings remain unclear (PMID:32160374). It is absent or not present at a significant frequency in gnomAD. In conclusion, we classify ALPL p.Arg152Cys (c.454C>T) as a likely pathogenic variant.

Women's Health and Genetics/Laboratory Corporation of America, LabCorp
Classification: Likely pathogenic for Hypophosphatasia. Last evaluated: 2025-06-10. Review status: criteria provided, single submitter. Criteria: LabCorp Variant Classification Summary - May 2015. Collection method: clinical testing. Allele origin: germline.
Comment: Variant summary: ALPL c.454C>T (p.Arg152Cys) results in a non-conservative amino acid change in the encoded protein sequence. Algorithms developed to predict the effect of missense changes on protein structure and function all suggest that this variant is likely to be disruptive. The variant allele was found at a frequency of 8e-06 in 249284 control chromosomes. c.454C>T has been observed in individual(s) affected with recessive Hypophosphatasia (e.g. Rodrigues_2012, del Angel_2020, Jelin_2022), as well as dominant Hypophosphatasia (e.g. Tornero_2022, Tenorio_2017, Nagata_2019) . These data indicate that the variant is likely to be associated with disease. At least one publication reports experimental evidence evaluating an impact on protein function. The most pronounced variant effect results in approximately 50% of normal activity (del Angel_2020). The following publications have been ascertained in the context of this evaluation (PMID: 32160374, 32752906, 38702915, 23791648, 31857675, 22703652, 28127875, 32066479, 35241128). ClinVar contains an entry for this variant (Variation ID: 1470828). Based on the evidence outlined above, the variant was classified as likely pathogenic for dominant and recessive Hypophosphatasia.

Baylor Genetics
Classification: Likely pathogenic for Adult hypophosphatasia. Last evaluated: 2024-03-27. Review status: criteria provided, single submitter. Criteria: ACMG Guidelines, 2015. Collection method: clinical testing. Allele origin: unknown.

Fulgent Genetics
Classification: Likely pathogenic for Adult hypophosphatasia; Infantile hypophosphatasia; Childhood hypophosphatasia. Last evaluated: 2024-02-24. Review status: criteria provided, single submitter. Criteria: ACMG Guidelines, 2015. Collection method: clinical testing. Allele origin: germline.

Genome Diagnostics Laboratory, The Hospital for Sick Children
Classification: Uncertain significance for Osteogenesis imperfecta. Last evaluated: 2018-09-01. Review status: criteria provided, single submitter. Criteria: ACMG Guidelines, 2015. Collection method: clinical testing. Allele origin: germline.

Literature cited by the submitters: PubMed 22014174 (cited by Labcorp Genetics (formerly Invitae), Labcorp and Dasa); PubMed 23791648 (cited by 4 submitters); PubMed 32066479 (cited by 5 submitters); PubMed 32160374 (cited by 5 submitters); PubMed 39983296 (cited by Labcorp Genetics (formerly Invitae), Labcorp); PubMed 28127875 (cited by Myriad Genetics, Inc. and Women's Health and Genetics/Laboratory Corporation of America, LabCorp); PubMed 32752906 (cited by 3 submitters); PubMed 31793067 (cited by Dasa); PubMed 26783040 (cited by Natera, Inc. and Genomenon, Inc); PubMed 31857675 (cited by Women's Health and Genetics/Laboratory Corporation of America, LabCorp); PubMed 35241128 (cited by Women's Health and Genetics/Laboratory Corporation of America, LabCorp); PubMed 38702915 (cited by Women's Health and Genetics/Laboratory Corporation of America, LabCorp); PubMed 22703652 (cited by Women's Health and Genetics/Laboratory Corporation of America, LabCorp).